The following is an entry in ClinVar:

ClinVar aggregate classification (germline): Benign/Likely benign. Review status: criteria provided, multiple submitters, no conflicts (2 of 4 stars). 4 submissions from 4 submitters: Benign (1); Likely benign (3). Last evaluated 2025-07-14.

Conditions:
Juvenile polyposis syndrome (JPS). Identifiers: Orphanet 2929, MedGen C0345893, MONDO:0017380, OMIM 174900.
Hereditary cancer-predisposing syndrome. Also called: Tumor predisposition; Neoplastic Syndromes, Hereditary; Hereditary Cancer Syndrome; Hereditary neoplastic syndrome. Identifiers: Orphanet 140162, MedGen C0027672, MeSH D009386, MONDO:0015356.

Allele frequency attached by ClinVar (database versions not stated): gnomAD 0.00001; gnomAD exomes below 0.00001; TOPMed below 0.00001.
gnomAD v4.1: 3 of 1,613,976 alleles (0.00019%); highest among the groups gnomAD compares: Non-Finnish European, 0.00025%; no homozygotes.

Submissions (4):

Color Diagnostics, LLC DBA Color Health
Classification: Likely benign for Hereditary cancer-predisposing syndrome. Last evaluated: 2025-07-14. Review status: criteria provided, single submitter. Criteria: ACMG Guidelines, 2015. Collection method: clinical testing. Allele origin: germline.

Myriad Genetics, Inc.
Classification: Benign for Juvenile polyposis syndrome. Last evaluated: 2024-08-01. Review status: criteria provided, single submitter. Criteria: Myriad Autosomal Dominant, Autosomal Recessive and X-Linked Classification Criteria (2023). Collection method: clinical testing. Allele origin: unknown.
Comment: This variant is considered benign. This variant is a silent/synonymous amino acid change and it is not expected to impact splicing.

Labcorp Genetics (formerly Invitae), Labcorp
Classification: Likely benign for Juvenile polyposis syndrome. Last evaluated: 2023-08-09. Review status: criteria provided, single submitter. Criteria: Invitae Variant Classification Sherloc (09022015). Collection method: clinical testing. Allele origin: germline.

Ambry Genetics
Classification: Likely benign for Hereditary cancer-predisposing syndrome. Last evaluated: 2020-02-19. Review status: criteria provided, single submitter. Criteria: Ambry Variant Classification Scheme 2023. Collection method: clinical testing. Allele origin: germline.

NM_004329.3(BMPR1A):c.471C>T (p.Leu157=)

Gene: BMPR1A (bone morphogenetic protein receptor type 1A; plus strand). Cytogenetic location: 10q23.2.
Variant type: single nucleotide variant.
Coding change: c.471C>T on transcript NM_004329.3 (MANE Select); coding-DNA position 471, C replaced by T.
Protein change: p.Leu157=; no amino-acid change (leucine 157 retained).
Molecular consequence: synonymous variant.
Genome position (GRCh38, 1-based): chr10:86,900,067, C>T. VCF-style: chr10-86900067-C-T. GRCh37 (hg19) VCF-style: chr10-88659824-C-T.
Identifiers: ClinVar variation 416803 (VCV000416803.13), dbSNP rs1060504903, ClinGen allele CA16612970.